The following is an entry in ClinVar:

ClinVar aggregate classification (germline): Uncertain significance. Review status: criteria provided, multiple submitters, no conflicts (2 of 4 stars). 3 submissions from 3 submitters: Uncertain significance (3). Last evaluated 2025-04-25.

Conditions:
Inborn genetic diseases. Identifiers: MedGen C0950123, MeSH D030342.
CC2D2A-related disorder. Also called: CC2D2A-related disorders; CC2D2A-related condition. Identifiers: MedGen CN239313.
Joubert syndrome. Also called: JOUBERT-BOLTSHAUSER SYNDROME; Familial aplasia of the vermis. Identifiers: Orphanet 475, MedGen C5979921, MONDO:0018772.
Meckel-Gruber syndrome. Also called: DYSENCEPHALIA SPLANCHNOCYSTICA; GRUBER SYNDROME; Dysencephalia splachnocystica. Identifiers: Orphanet 564, MedGen C0265215, MONDO:0018921.

Allele frequency attached by ClinVar (database versions not stated): gnomAD 0.00001; gnomAD exomes 0.00001; TOPMed 0.00001.
gnomAD v4.1: 12 of 1,577,440 alleles (0.00076%); highest among the groups gnomAD compares: Non-Finnish European, 0.001%; no homozygotes.

Submissions (3):

PreventionGenetics, part of Exact Sciences
Classification: Uncertain significance for CC2D2A-related condition. Last evaluated: 2025-04-25. Review status: criteria provided, single submitter. Criteria: ACMG Guidelines, 2015. Collection method: clinical testing. Allele origin: germline.
Comment: The CC2D2A c.964G>A variant is predicted to result in the amino acid substitution p.Val322Met. To our knowledge, this variant has not been reported in the literature. This variant is reported in 0.0% of alleles in individuals of African descent in gnomAD. At this time, the clinical significance of this variant is uncertain due to the absence of conclusive functional and genetic evidence.

Labcorp Genetics (formerly Invitae), Labcorp
Classification: Uncertain significance for Joubert syndrome; Meckel-Gruber syndrome. Last evaluated: 2023-08-04. Review status: criteria provided, single submitter. Criteria: Invitae Variant Classification Sherloc (09022015). Collection method: clinical testing. Allele origin: germline.
Comment: In summary, the available evidence is currently insufficient to determine the role of this variant in disease. Therefore, it has been classified as a Variant of Uncertain Significance. Advanced modeling of protein sequence and biophysical properties (such as structural, functional, and spatial information, amino acid conservation, physicochemical variation, residue mobility, and thermodynamic stability) performed at Invitae indicates that this missense variant is not expected to disrupt CC2D2A protein function. ClinVar contains an entry for this variant (Variation ID: 1357544). This variant has not been reported in the literature in individuals affected with CC2D2A-related conditions. This variant is not present in population databases (gnomAD no frequency). This sequence change replaces valine, which is neutral and non-polar, with methionine, which is neutral and non-polar, at codon 322 of the CC2D2A protein (p.Val322Met).

Ambry Genetics
Classification: Uncertain significance for Inborn genetic diseases. Last evaluated: 2023-02-27. Review status: criteria provided, single submitter. Criteria: Ambry Variant Classification Scheme 2023. Collection method: clinical testing. Allele origin: germline.

NM_001378615.1(CC2D2A):c.964G>A (p.Val322Met)

Genes: CC2D2A (coiled-coil and C2 domain containing 2A; plus strand), FBXL5 (F-box and leucine rich repeat protein 5; minus strand). Cytogenetic location: 4p15.32.
Variant type: single nucleotide variant.
Coding change: c.964G>A on transcript NM_001378615.1 (MANE Select); coding-DNA position 964, G replaced by A.
Protein change: p.Val322Met; replaces valine 322 with methionine.
Molecular consequence: missense variant.
Genome position (GRCh38, 1-based): chr4:15,515,951, G>A. VCF-style: chr4-15515951-G-A. GRCh37 (hg19) VCF-style: chr4-15517574-G-A.
Other names: c.964G>A, p.Val322Met (NM_001080522.2); c.817G>A, p.Val273Met (NM_001378617.1); short protein forms V273M, V322M.
Identifiers: ClinVar variation 1357544 (VCV001357544.11), dbSNP rs1010349592, ClinGen allele CA92512923.